The following is an entry in ClinVar:

ClinVar aggregate classification (germline): Uncertain significance. Review status: criteria provided, multiple submitters, no conflicts (2 of 4 stars). 2 submissions from 2 submitters: Uncertain significance (2). Last evaluated 2022-11-22.

Conditions:
Joubert syndrome 17 (JBTS17). Identifiers: Orphanet 475, MedGen C3553264, MONDO:0013824, OMIM 614615.

Allele frequency attached by ClinVar (database versions not stated): gnomAD exomes below 0.00001; TOPMed 0.00001.
gnomAD v4.1: 1 of 1,551,214 alleles (0.000064%); highest among the groups gnomAD compares: South Asian, 0.0012%; no homozygotes.

Submissions (2):

Labcorp Genetics (formerly Invitae), Labcorp
Classification: Uncertain significance. Last evaluated: 2022-11-22. Review status: criteria provided, single submitter. Criteria: Invitae Variant Classification Sherloc (09022015). Collection method: clinical testing. Allele origin: germline.
Comment: In summary, the available evidence is currently insufficient to determine the role of this variant in disease. Therefore, it has been classified as a Variant of Uncertain Significance. Advanced modeling of protein sequence and biophysical properties (such as structural, functional, and spatial information, amino acid conservation, physicochemical variation, residue mobility, and thermodynamic stability) performed at Invitae indicates that this missense variant is not expected to disrupt CPLANE1 protein function. ClinVar contains an entry for this variant (Variation ID: 905425). This variant has not been reported in the literature in individuals affected with CPLANE1-related conditions. This variant is not present in population databases (gnomAD no frequency). This sequence change replaces isoleucine, which is neutral and non-polar, with methionine, which is neutral and non-polar, at codon 449 of the CPLANE1 protein (p.Ile449Met).

Illumina Laboratory Services, Illumina
Classification: Uncertain significance for Joubert syndrome 17. Last evaluated: 2018-01-12. Review status: criteria provided, single submitter. Criteria: ICSL Variant Classification Criteria 13 December 2019. Collection method: clinical testing. Allele origin: germline.

NM_001384732.1(CPLANE1):c.1347A>G (p.Ile449Met)

Gene: CPLANE1 (ciliogenesis and planar polarity effector complex subunit 1; minus strand). Cytogenetic location: 5p13.2.
Variant type: single nucleotide variant.
Coding change: c.1347A>G on transcript NM_001384732.1 (MANE Select); coding-DNA position 1347, A replaced by G.
Protein change: p.Ile449Met; replaces isoleucine 449 with methionine.
Molecular consequence: missense variant.
Genome position (GRCh38, 1-based): chr5:37,227,592, T>C on the plus strand (A>G on the coding strand, the complement: CPLANE1 is on the minus strand). VCF-style: chr5-37227592-T-C. GRCh37 (hg19) VCF-style: chr5-37227694-T-C.
Other names: c.1347A>G, p.Ile449Met (NM_023073.4); short protein forms I449M.
Identifiers: ClinVar variation 905425 (VCV000905425.11), dbSNP rs1796727512, ClinGen allele CA359504210.